The following is an entry in ClinVar:

NM_001999.4(FBN2):c.6584G>A (p.Arg2195His)

Gene: FBN2 (fibrillin 2; minus strand). Cytogenetic location: 5q23.3.
Variant type: single nucleotide variant.
Coding change: c.6584G>A on transcript NM_001999.4 (MANE Select); coding-DNA position 6584, G replaced by A.
Protein change: p.Arg2195His; replaces arginine 2195 with histidine.
Molecular consequence: missense variant.
Genome position (GRCh38, 1-based): chr5:128,289,180, C>T on the plus strand (G>A on the coding strand, the complement: FBN2 is on the minus strand). VCF-style: chr5-128289180-C-T. GRCh37 (hg19) VCF-style: chr5-127624872-C-T.
Other names: short protein forms R2195H.
Identifiers: ClinVar variation 577582 (VCV000577582.11), dbSNP rs144887443, ClinGen allele CA3394368.

ClinVar aggregate classification (germline): Conflicting classifications of pathogenicity. Review status: criteria provided, conflicting classifications (1 of 4 stars). 3 submissions from 3 submitters: Uncertain significance (2); Likely benign (1). Last evaluated 2026-03-21.

Conditions:
Congenital contractural arachnodactyly (CCA). Also called: Arthrogryposis, distal, type 9; BEALS SYNDROME; Beals-Hecht syndrome. Identifiers: Orphanet 115, MedGen C0220668, MONDO:0007363, OMIM 121050.
Familial thoracic aortic aneurysm and aortic dissection (TAAD). Also called: Thoracic aortic aneurysms and dissections. Identifiers: Orphanet 91387, MedGen C4707243, MONDO:0019625.

Allele frequency attached by ClinVar (database versions not stated): gnomAD exomes 0.00003; gnomAD 0.00001; ESP Exome Variant Server 0.00008; TOPMed 0.00002; ExAC 0.00003.
gnomAD v4.1: 52 of 1,613,884 alleles (0.0032%); highest among the groups gnomAD compares: South Asian, 0.0066%; no homozygotes.

Submissions (3):

Ambry Genetics
Classification: Uncertain significance for Familial thoracic aortic aneurysm and aortic dissection. Last evaluated: 2026-03-21. Review status: criteria provided, single submitter. Criteria: Ambry Variant Classification Scheme 2023. Collection method: clinical testing. Allele origin: germline.
Comment: The p.R2195H variant (also known as c.6584G>A), located in coding exon 52 of the FBN2 gene, results from a G to A substitution at nucleotide position 6584. The arginine at codon 2195 is replaced by histidine, an amino acid with highly similar properties. This amino acid position is conserved. In addition, this alteration is predicted to be deleterious by in silico analysis. Based on the available evidence, the clinical significance of this variant remains unclear.

GeneDx
Classification: Uncertain significance. Last evaluated: 2024-01-19. Review status: criteria provided, single submitter. Criteria: GeneDx Variant Classification Process June 2021. Collection method: clinical testing. Allele origin: germline.
Comment: In silico analysis supports that this missense variant has a deleterious effect on protein structure/function; Has not been previously published as pathogenic or benign to our knowledge; Although located in a calcium-binding EGF-like domain of the FBN2 gene, it does not substitute or introduce a cysteine residue (PMID: 19006240, 18767143); This variant is associated with the following publications: (PMID: 19006240, 18767143)

Labcorp Genetics (formerly Invitae), Labcorp
Classification: Likely benign for Congenital contractural arachnodactyly. Last evaluated: 2023-05-25. Review status: criteria provided, single submitter. Criteria: Invitae Variant Classification Sherloc (09022015). Collection method: clinical testing. Allele origin: germline.